The following is an entry in ClinVar:

ClinVar aggregate classification (germline): Pathogenic (1 of 4 stars; one submission).

Conditions:
Propionic acidemia (PROP). Also called: GLYCINEMIA, KETOTIC; HYPERGLYCINEMIA WITH KETOACIDOSIS AND LEUKOPENIA; KETOTIC HYPERGLYCINEMIA. Identifiers: Orphanet 35, MedGen C0268579, MONDO:0011628, OMIM 606054, HP:0003571.

Submission:

Labcorp Genetics (formerly Invitae), Labcorp
Classification: Pathogenic for Propionic acidemia. Last evaluated: 2021-07-26. Review status: criteria provided, single submitter. Criteria: Invitae Variant Classification Sherloc (09022015). Collection method: clinical testing. Allele origin: germline.
Comment: For these reasons, this variant has been classified as Pathogenic. This variant disrupts a region of the PCCB protein in which other variant(s) (deletion of exon 5) have been determined to be pathogenic (Invitae). This suggests that this is a clinically significant region of the protein, and that variants that disrupt it are likely to be disease-causing. This variant has not been reported in the literature in individuals affected with PCCB-related conditions. This variant is a gross deletion of the genomic region encompassing exon(s) 2-6 of the PCCB gene. This variant would be expected to be in-frame, preserving the integrity of the reading frame.

NC_000003.11:g.(?_135974688)_(136003251_?)del

Gene: PCCB (propionyl-CoA carboxylase subunit beta; plus strand). Cytogenetic location: 3q22.3.
Variant type: Deletion.
Identifiers: ClinVar variation 1459842 (VCV001459842.4).